The following is an entry in ClinVar:

ClinVar aggregate classification (germline): Likely benign (0 of 4 stars; one submission).

Conditions:
STARD9-related disorder. Also called: STARD9-related condition.

Allele frequency attached by ClinVar (database versions not stated): gnomAD exomes below 0.00001; gnomAD 0.00001.
gnomAD v4.1: 8 of 1,537,252 alleles (0.00052%); highest among the groups gnomAD compares: Middle Eastern, 0.017%; no homozygotes.

Submission:

PreventionGenetics, part of Exact Sciences
Classification: Likely benign for STARD9-related condition. Last evaluated: 2019-05-30. Review status: no assertion criteria provided. Collection method: clinical testing. Allele origin: germline.
Comment: This variant is classified as likely benign based on ACMG/AMP sequence variant interpretation guidelines (Richards et al. 2015 PMID: 25741868, with internal and published modifications).

NM_020759.3(STARD9):c.8274T>C (p.His2758=)

Gene: STARD9 (StAR related lipid transfer domain containing 9; plus strand). Cytogenetic location: 15q15.2.
Variant type: single nucleotide variant.
Coding change: c.8274T>C on transcript NM_020759.3 (MANE Select); coding-DNA position 8274, T replaced by C.
Protein change: p.His2758=; no amino-acid change (histidine 2758 retained).
Molecular consequence: synonymous variant.
Genome position (GRCh38, 1-based): chr15:42,689,852, T>C. VCF-style: chr15-42689852-T-C. GRCh37 (hg19) VCF-style: chr15-42982050-T-C.
Identifiers: ClinVar variation 3044644 (VCV003044644.2), dbSNP rs2060648609, ClinGen allele CA490007319.